The following is an entry in ClinVar:

ClinVar aggregate classification (germline): Uncertain significance (1 of 4 stars; one submission).

Submission:

Labcorp Genetics (formerly Invitae), Labcorp
Classification: Uncertain significance. Last evaluated: 2022-10-24. Review status: criteria provided, single submitter. Criteria: Invitae Variant Classification Sherloc (09022015). Collection method: clinical testing. Allele origin: germline.
Comment: This sequence change replaces cysteine with arginine at codon 53 of the TULP1 protein (p.Cys53Arg). The cysteine residue is weakly conserved and there is a large physicochemical difference between cysteine and arginine. This variant is not present in population databases (gnomAD no frequency). This variant has not been reported in the literature in individuals affected with TULP1-related conditions. ClinVar contains an entry for this variant (Variation ID: 1402047). Advanced modeling of protein sequence and biophysical properties (such as structural, functional, and spatial information, amino acid conservation, physicochemical variation, residue mobility, and thermodynamic stability) performed at Invitae indicates that this missense variant is not expected to disrupt TULP1 protein function. In summary, the available evidence is currently insufficient to determine the role of this variant in disease. Therefore, it has been classified as a Variant of Uncertain Significance.

NM_003322.6(TULP1):c.157T>C (p.Cys53Arg)

Gene: TULP1 (TUB like protein 1; minus strand). Cytogenetic location: 6p21.31.
Variant type: single nucleotide variant.
Coding change: c.157T>C on transcript NM_003322.6 (MANE Select); coding-DNA position 157, T replaced by C.
Protein change: p.Cys53Arg; replaces cysteine 53 with arginine.
Molecular consequence: missense variant.
Genome position (GRCh38, 1-based): chr6:35,512,213, A>G on the plus strand (T>C on the coding strand, the complement: TULP1 is on the minus strand). VCF-style: chr6-35512213-A-G. GRCh37 (hg19) VCF-style: chr6-35479990-A-G.
Other names: c.157T>C, p.Cys53Arg (NM_001289395.2); short protein forms C53R.
Identifiers: ClinVar variation 1402047 (VCV001402047.3), dbSNP rs2150928757, ClinGen allele CA363784971.